The following is an entry in ClinVar:

NM_018055.5(NODAL):c.555del (p.Thr186fs)

Gene: NODAL (nodal growth differentiation factor; minus strand). Cytogenetic location: 10q22.1.
Variant type: Deletion.
Coding change: c.555del on transcript NM_018055.5 (MANE Select); coding-DNA position 555, one base deleted (C; older notation c.555delC).
Protein change: p.Thr186fs; shifts the reading frame from threonine 186.
Molecular consequence: frameshift variant.
Genome position (GRCh38, 1-based): chr10:70,435,622, G deleted on the plus strand (C on the coding strand, the reverse complement: NODAL is on the minus strand); the first of 6 consecutive G bases (chr10:70,435,622-70,435,627); deleting any one gives the same sequence. VCF-style (leftmost placement, unchanged base first): chr10-70435621-TG-T. GRCh37 (hg19) VCF-style: chr10-72195377-TG-T.
Other names: c.156del, p.Thr53fs (NM_001329906.2); short protein forms T186fs, T53fs.
Identifiers: ClinVar variation 1069992 (VCV001069992.8), dbSNP rs772802856, ClinGen allele CA2499220306.

ClinVar aggregate classification (germline): Pathogenic/Likely pathogenic. Review status: criteria provided, multiple submitters, no conflicts (2 of 4 stars). 2 submissions from 2 submitters: Pathogenic (1); Likely pathogenic (1). Last evaluated 2021-02-23.

Conditions:
NODAL-related disorder. Also called: NODAL-related disorders; NODAL-related condition. Identifiers: MedGen CN239298.
Heterotaxy, visceral, 5, autosomal (HTX5). Also called: Heterotaxy, visceral, 5. Identifiers: Orphanet 450, MedGen C3495537, MONDO:0700112, OMIM 270100.

Submissions (2):

Blueprint Genetics
Classification: Likely pathogenic for NODAL-related disorders. Last evaluated: 2021-02-23. Review status: criteria provided, single submitter. Criteria: ACMG Guidelines, 2015. Collection method: clinical testing. Allele origin: germline. Affected: yes. Observed: 3 variant alleles.

Labcorp Genetics (formerly Invitae), Labcorp
Classification: Pathogenic for Heterotaxy, visceral, 5, autosomal. Last evaluated: 2020-09-21. Review status: criteria provided, single submitter. Criteria: Invitae Variant Classification Sherloc (09022015). Collection method: clinical testing. Allele origin: germline.
Comment: For these reasons, this variant has been classified as Pathogenic. Loss-of-function variants in NODAL are known to be pathogenic (PMID: 19064609, 19933292). This variant has not been reported in the literature in individuals with NODAL-related conditions. This variant is not present in population databases (ExAC no frequency). This sequence change creates a premature translational stop signal (p.Thr186Hisfs*73) in the NODAL gene. It is expected to result in an absent or disrupted protein product.

Literature cited by the submitters: PubMed 19064609 (cited by Labcorp Genetics (formerly Invitae), Labcorp); PubMed 19933292 (cited by Labcorp Genetics (formerly Invitae), Labcorp).